The following is an entry in ClinVar:

NM_015450.3(POT1):c.1796C>T (p.Ala599Val)

Gene: POT1 (protection of telomeres 1; minus strand). Cytogenetic location: 7q31.33.
Variant type: single nucleotide variant.
Coding change: c.1796C>T on transcript NM_015450.3 (MANE Select); coding-DNA position 1796, C replaced by T.
Protein change: p.Ala599Val; replaces alanine 599 with valine.
Molecular consequence: missense variant. On other transcripts: non-coding transcript variant (3).
Genome position (GRCh38, 1-based): chr7:124,824,071, G>A on the plus strand (C>T on the coding strand, the complement: POT1 is on the minus strand). VCF-style: chr7-124824071-G-A. GRCh37 (hg19) VCF-style: chr7-124464125-G-A.
Other names: c.1403C>T, p.Ala468Val (NM_001042594.2); short protein forms A599V, A468V.
Identifiers: ClinVar variation 2082409 (VCV002082409.4), dbSNP rs2485333410, ClinGen allele CA369061342.
Genomic context (GRCh38, chr7:124,824,071, plus strand): 5'-TGATTATCTGTTCCATTTGTGACATTGTATGACTTGATGAAGCATTCCAACCACGGATAT[G>A]CATCTACAAAAACAAAAACAAAAAAAGCGATTTAACCATTAAAACAAAATAAATAACTCT-3'
Protein context (NP_056265.2, residues 589-609): MFCPPGIKID[Ala599Val]YPWLECFIKS

ClinVar aggregate classification (germline): Uncertain significance (1 of 4 stars; one submission).

Conditions:
Tumor predisposition syndrome 3 (TPDS3). Also called: Melanoma, cutaneous malignant, susceptibility to, 10; Glioma susceptibility 9; LONG TELOMERE SYNDROME, POT1-RELATED; POT1 Tumor Predisposition. Identifiers: Orphanet 618, MedGen C4014476, MONDO:0014368, OMIM 615848.

Submission:

Labcorp Genetics (formerly Invitae), Labcorp
Classification: Uncertain significance for Tumor predisposition syndrome 3. Last evaluated: 2026-01-19. Review status: criteria provided, single submitter. Criteria: Invitae Variant Classification Sherloc (09022015). Collection method: clinical testing. Allele origin: germline.
Comment: This sequence change replaces alanine, which is neutral and non-polar, with valine, which is neutral and non-polar, at codon 599 of the POT1 protein (p.Ala599Val). This variant is not present in population databases (gnomAD no frequency). This variant has not been reported in the literature in individuals affected with POT1-related conditions. ClinVar contains an entry for this variant (Variation ID: 2082409). Invitae Evidence Modeling of protein sequence and biophysical properties (such as structural, functional, and spatial information, amino acid conservation, physicochemical variation, residue mobility, and thermodynamic stability) indicates that this missense variant is not expected to disrupt POT1 protein function with a negative predictive value of 80%. In summary, the available evidence is currently insufficient to determine the role of this variant in disease. Therefore, it has been classified as a Variant of Uncertain Significance.